The following is an entry in ClinVar:

ClinVar aggregate classification (germline): Likely pathogenic (1 of 4 stars; one submission).

Conditions:
Hereditary pheochromocytoma and paraganglioma. Also called: Hereditary paragangliomas and pheochromocytomas; Hereditary Paraganglioma-Pheochromocytoma Syndromes; Hereditary pheochromocytoma-paraganglioma. Identifiers: Orphanet 29072, MedGen C4274332, MONDO:0017366.

Allele frequency attached by ClinVar (database versions not stated): TOPMed below 0.00001.
gnomAD v4.1: 1 of 1,614,232 alleles (0.000062%); highest among the groups gnomAD compares: Non-Finnish European, 0.000085%; no homozygotes.

Submission:

Labcorp Genetics (formerly Invitae), Labcorp
Classification: Likely pathogenic for Hereditary pheochromocytoma and paraganglioma. Last evaluated: 2022-07-30. Review status: criteria provided, single submitter. Criteria: Invitae Variant Classification Sherloc (09022015). Collection method: clinical testing. Allele origin: germline.
Comment: In summary, the currently available evidence indicates that the variant is pathogenic, but additional data are needed to prove that conclusively. Therefore, this variant has been classified as Likely Pathogenic. Algorithms developed to predict the effect of sequence changes on RNA splicing suggest that this variant may disrupt the consensus splice site. This variant has not been reported in the literature in individuals affected with SDHAF2-related conditions. This variant is not present in population databases (gnomAD no frequency). This sequence change affects a donor splice site in intron 1 of the SDHAF2 gene. It is expected to disrupt RNA splicing. Variants that disrupt the donor or acceptor splice site typically lead to a loss of protein function (PMID: 16199547), and loss-of-function variants in SDHAF2 are known to be pathogenic (PMID: 22241717, 26096992).

Literature cited by the submitters: PubMed 16199547; PubMed 22241717; PubMed 26096992.

NM_017841.4(SDHAF2):c.36+1G>A

Gene: SDHAF2 (succinate dehydrogenase complex assembly factor 2; plus strand). Cytogenetic location: 11q12.2.
Variant type: single nucleotide variant.
Coding change: c.36+1G>A on transcript NM_017841.4 (MANE Select); the canonical splice donor site of the intron after coding-DNA position 36, G replaced by A.
Molecular consequence: splice donor variant.
Genome position (GRCh38, 1-based): chr11:61,430,183, G>A. VCF-style: chr11-61430183-G-A. GRCh37 (hg19) VCF-style: chr11-61197655-G-A.
Identifiers: ClinVar variation 2020736 (VCV002020736.4), dbSNP rs1173121367, ClinGen allele CA380680226.